The following is an entry in ClinVar:

ClinVar aggregate classification (germline): Uncertain significance. Review status: criteria provided, multiple submitters, no conflicts (2 of 4 stars). 3 submissions from 3 submitters: Uncertain significance (3). Last evaluated 2025-11-17.

Conditions:
Hereditary breast ovarian cancer syndrome. Also called: Hereditary breast and ovarian cancer; Breast and ovarian cancer; Hereditary breast and ovarian cancer syndrome; Hereditary breast and/or ovarian cancer syndrome; BRCA1- and BRCA2-Associated Hereditary Breast and Ovarian Cancer; Hereditary breast and ovarian cancer syndrome (HBOC). Identifiers: Orphanet 145, MedGen C0677776, MeSH D061325, MONDO:0003582. Disease mechanism: loss of function.
Hereditary cancer-predisposing syndrome. Also called: Hereditary Cancer Syndrome; Hereditary neoplastic syndrome; Neoplastic Syndromes, Hereditary; Tumor predisposition. Identifiers: Orphanet 140162, MedGen C0027672, MeSH D009386, MONDO:0015356.

Allele frequency attached by ClinVar (database versions not stated): gnomAD exomes below 0.00001; gnomAD 0.00001; TOPMed 0.00001.
gnomAD v4.1: 3 of 1,595,952 alleles (0.00019%); highest among the groups gnomAD compares: African/African-American, 0.0013%; no homozygotes.

Submissions (3):

Labcorp Genetics (formerly Invitae), Labcorp
Classification: Uncertain significance for Hereditary breast ovarian cancer syndrome. Last evaluated: 2025-11-17. Review status: criteria provided, single submitter. Criteria: Invitae Variant Classification Sherloc (09022015). Collection method: clinical testing. Allele origin: germline.
Comment: This sequence change replaces leucine, which is neutral and non-polar, with glutamine, which is neutral and polar, at codon 135 of the BRCA2 protein (p.Leu135Gln). This variant is not present in population databases (gnomAD no frequency). This variant has not been reported in the literature in individuals affected with BRCA2-related conditions. ClinVar contains an entry for this variant (Variation ID: 441424). Invitae Evidence Modeling of protein sequence and biophysical properties (such as structural, functional, and spatial information, amino acid conservation, physicochemical variation, residue mobility, and thermodynamic stability) indicates that this missense variant is not expected to disrupt BRCA2 protein function with a negative predictive value of 95%. In summary, the available evidence is currently insufficient to determine the role of this variant in disease. Therefore, it has been classified as a Variant of Uncertain Significance.

Ambry Genetics
Classification: Uncertain significance for Hereditary cancer-predisposing syndrome. Last evaluated: 2025-06-06. Review status: criteria provided, single submitter. Criteria: Ambry Variant Classification Scheme 2023. Collection method: clinical testing. Allele origin: germline.
Comment: The p.L135Q variant (also known as c.404T>A), located in coding exon 3 of the BRCA2 gene, results from a T to A substitution at nucleotide position 404. The leucine at codon 135 is replaced by glutamine, an amino acid with dissimilar properties. This amino acid position is not well conserved in available vertebrate species. In addition, this alteration is predicted to be tolerated by in silico analysis. Since supporting evidence is limited at this time, the clinical significance of this alteration remains unclear.

Quest Diagnostics Nichols Institute San Juan Capistrano
Classification: Uncertain significance. Last evaluated: 2021-07-28. Review status: criteria provided, single submitter. Criteria: Quest Diagnostics criteria. Collection method: clinical testing. Allele origin: unknown.

NM_000059.4(BRCA2):c.404T>A (p.Leu135Gln)

Gene: BRCA2 (BRCA2 DNA repair associated; plus strand). Cytogenetic location: 13q13.1.
Variant type: single nucleotide variant.
Coding change: c.404T>A on transcript NM_000059.4 (MANE Select); coding-DNA position 404, T replaced by A.
Protein change: p.Leu135Gln; replaces leucine 135 with glutamine.
Molecular consequence: missense variant.
Genome position (GRCh38, 1-based): chr13:32,325,163, T>A. VCF-style: chr13-32325163-T-A. GRCh37 (hg19) VCF-style: chr13-32899300-T-A.
Other names: short protein forms L135Q.
Identifiers: ClinVar variation 441424 (VCV000441424.15), dbSNP rs1393801743, ClinGen allele CA387756719.